The following is an entry in ClinVar:

NM_001868.4(CPA1):c.246C>G (p.His82Gln)

Gene: CPA1 (carboxypeptidase A1; plus strand). Cytogenetic location: 7q32.2.
Variant type: single nucleotide variant.
Coding change: c.246C>G on transcript NM_001868.4 (MANE Select); coding-DNA position 246, C replaced by G.
Protein change: p.His82Gln; replaces histidine 82 with glutamine.
Molecular consequence: missense variant.
Genome position (GRCh38, 1-based): chr7:130,381,728, C>G. VCF-style: chr7-130381728-C-G. GRCh37 (hg19) VCF-style: chr7-130021569-C-G.
Other names: short protein forms H82Q.
Identifiers: ClinVar variation 4006046 (VCV004006046.1).

ClinVar aggregate classification (germline): Uncertain significance (1 of 4 stars; one submission).

Conditions:
Hereditary pancreatitis (PCTT). Also called: Hereditary chronic pancreatitis; PRSS1-Related Hereditary Pancreatitis. Identifiers: Orphanet 676, MedGen C0238339, MONDO:0008185, OMIM 167800.

Submission:

Ambry Genetics
Classification: Uncertain significance for Hereditary pancreatitis. Last evaluated: 2025-03-22. Review status: criteria provided, single submitter. Criteria: Ambry Variant Classification Scheme 2023. Collection method: clinical testing. Allele origin: germline.
Comment: The p.H82Q variant (also known as c.246C>G), located in coding exon 3 of the CPA1 gene, results from a C to G substitution at nucleotide position 246. The histidine at codon 82 is replaced by glutamine, an amino acid with highly similar properties. This amino acid position is conserved. In addition, this alteration is predicted to be tolerated by in silico analysis. Based on the available evidence, the clinical significance of this variant remains unclear.